The following is an entry in ClinVar:

ClinVar aggregate classification (germline): Uncertain significance (1 of 4 stars; one submission).

Conditions:
Tuberous sclerosis 1 (TSC1). Identifiers: Orphanet 805, MedGen C1854465, MONDO:0008612, OMIM 191100.

Submission:

Labcorp Genetics (formerly Invitae), Labcorp
Classification: Uncertain significance for Tuberous sclerosis 1. Last evaluated: 2024-05-15. Review status: criteria provided, single submitter. Criteria: Invitae Variant Classification Sherloc (09022015). Collection method: clinical testing. Allele origin: germline.
Comment: This sequence change replaces lysine, which is basic and polar, with asparagine, which is neutral and polar, at codon 475 of the TSC1 protein (p.Lys475Asn). This variant is not present in population databases (gnomAD no frequency). This variant has not been reported in the literature in individuals affected with TSC1-related conditions. Advanced modeling of protein sequence and biophysical properties (such as structural, functional, and spatial information, amino acid conservation, physicochemical variation, residue mobility, and thermodynamic stability) performed at Invitae indicates that this missense variant is not expected to disrupt TSC1 protein function with a negative predictive value of 95%. In summary, the available evidence is currently insufficient to determine the role of this variant in disease. Therefore, it has been classified as a Variant of Uncertain Significance.

NM_000368.5(TSC1):c.1425A>C (p.Lys475Asn)

Gene: TSC1 (TSC complex subunit 1; minus strand). Cytogenetic location: 9q34.13.
Variant type: single nucleotide variant.
Coding change: c.1425A>C on transcript NM_000368.5 (MANE Select); coding-DNA position 1425, A replaced by C.
Protein change: p.Lys475Asn; replaces lysine 475 with asparagine.
Molecular consequence: missense variant. On other transcripts: non-coding transcript variant (5).
Genome position (GRCh38, 1-based): chr9:132,906,744, T>G on the plus strand (A>C on the coding strand, the complement: TSC1 is on the minus strand). VCF-style: chr9-132906744-T-G. GRCh37 (hg19) VCF-style: chr9-135782131-T-G.
Other names: c.1425A>C, p.Lys475Asn (NM_001406595.1, NM_001406596.1, NM_001406601.1 and 7 more transcripts); c.1422A>C, p.Lys474Asn (NM_001406597.1, NM_001406598.1, NM_001406599.1 and 6 more transcripts); c.1272A>C, p.Lys424Asn (NM_001162427.2, NM_001406610.1); c.1062A>C, p.Lys354Asn (NM_001362177.2, NM_001406624.1, NM_001406614.1 and 5 more transcripts); c.1269A>C, p.Lys423Asn (NM_001406611.1, NM_001406612.1, NM_001406613.1); c.1059A>C, p.Lys353Asn (NM_001406625.1, NM_001406620.1, NM_001406621.1 and 2 more transcripts); c.474A>C, p.Lys158Asn (NM_001406626.1); c.471A>C, p.Lys157Asn (NM_001406627.1, NM_001406628.1); and 1 more; short protein forms K353N, K474N, K157N, K124N, K158N, K354N, K423N, K424N.
Identifiers: ClinVar variation 3653449 (VCV003653449.2).